The following is an entry in ClinVar:

NM_015346.4(ZFYVE26):c.4898A>G (p.Tyr1633Cys)

Gene: ZFYVE26 (zinc finger FYVE-type containing 26; minus strand). Cytogenetic location: 14q24.1.
Variant type: single nucleotide variant.
Coding change: c.4898A>G on transcript NM_015346.4 (MANE Select); coding-DNA position 4898, A replaced by G.
Protein change: p.Tyr1633Cys; replaces tyrosine 1633 with cysteine.
Molecular consequence: missense variant.
Genome position (GRCh38, 1-based): chr14:67,777,635, T>C on the plus strand (A>G on the coding strand, the complement: ZFYVE26 is on the minus strand). VCF-style: chr14-67777635-T-C. GRCh37 (hg19) VCF-style: chr14-68244352-T-C.
Other names: short protein forms Y1633C.
Identifiers: ClinVar variation 2173133 (VCV002173133.3), dbSNP rs767917106, ClinGen allele CA7239644.

ClinVar aggregate classification (germline): Uncertain significance (1 of 4 stars; one submission).

Conditions:
Spastic paraplegia. Identifiers: MedGen C0037772, HP:0001258.

Allele frequency attached by ClinVar (database versions not stated): ExAC 0.00001; gnomAD exomes 0.00001; TOPMed 0.00002; gnomAD 0.00003.
gnomAD v4.1: 15 of 1,613,868 alleles (0.00093%); highest among the groups gnomAD compares: Non-Finnish European, 0.0012%; no homozygotes.

Submission:

Labcorp Genetics (formerly Invitae), Labcorp
Classification: Uncertain significance for Spastic paraplegia. Last evaluated: 2024-02-05. Review status: criteria provided, single submitter. Criteria: Invitae Variant Classification Sherloc (09022015). Collection method: clinical testing. Allele origin: germline.
Comment: This sequence change replaces tyrosine, which is neutral and polar, with cysteine, which is neutral and slightly polar, at codon 1633 of the ZFYVE26 protein (p.Tyr1633Cys). This variant is present in population databases (rs767917106, gnomAD 0.003%). This variant has not been reported in the literature in individuals affected with ZFYVE26-related conditions. ClinVar contains an entry for this variant (Variation ID: 2173133). An algorithm developed to predict the effect of missense changes on protein structure and function (PolyPhen-2) suggests that this variant is likely to be disruptive. In summary, the available evidence is currently insufficient to determine the role of this variant in disease. Therefore, it has been classified as a Variant of Uncertain Significance.